The following is an entry in ClinVar:

NM_005591.4(MRE11):c.592del (p.Lys197_Val198insTer)

Gene: MRE11 (MRE11 double strand break repair nuclease; minus strand). Cytogenetic location: 11q21.
Variant type: Deletion.
Coding change: c.592del on transcript NM_005591.4 (MANE Select); coding-DNA position 592, one base deleted (G; older notation c.592delG).
Protein change: p.Lys197_Val198insTer.
Molecular consequence: nonsense.
Genome position (GRCh38, 1-based): chr11:94,476,356, C deleted on the plus strand (G on the coding strand, the reverse complement: MRE11 is on the minus strand). VCF-style (leftmost placement, unchanged base first): chr11-94476355-AC-A. GRCh37 (hg19) VCF-style: chr11-94209521-AC-A.
Other names: c.592del, p.Lys197_Val198insTer (NM_001330347.2, NM_005590.4); c.592delG (NM_005591.3).
Identifiers: ClinVar variation 2451375 (VCV002451375.2), dbSNP rs1359551200, ClinGen allele CA600841621.

ClinVar aggregate classification (germline): Pathogenic (1 of 4 stars; one submission).

Conditions:
Hereditary cancer-predisposing syndrome. Also called: Neoplastic Syndromes, Hereditary; Tumor predisposition; Hereditary neoplastic syndrome; Hereditary Cancer Syndrome. Identifiers: Orphanet 140162, MedGen C0027672, MeSH D009386, MONDO:0015356.

Allele frequency attached by ClinVar (database versions not stated): gnomAD exomes below 0.00001.

Submission:

Ambry Genetics
Classification: Pathogenic for Hereditary cancer-predisposing syndrome. Last evaluated: 2023-03-08. Review status: criteria provided, single submitter. Criteria: Ambry Variant Classification Scheme 2023. Collection method: clinical testing. Allele origin: germline.
Comment: The c.592delG pathogenic mutation, located in coding exon 6 of the MRE11A gene, results from a deletion of one nucleotide at nucleotide position 592, causing a translational frameshift with a predicted alternate stop codon (p.V198*). This variant is considered to be rare based on population cohorts in the Genome Aggregation Database (gnomAD). This alteration is expected to result in loss of function by premature protein truncation or nonsense-mediated mRNA decay. As such, this alteration is interpreted as a disease-causing mutation.